The following is an entry in ClinVar:

ClinVar aggregate classification (germline): Likely benign. Review status: criteria provided, multiple submitters, no conflicts (2 of 4 stars). 5 submissions from 5 submitters: Likely benign (5). Last evaluated 2026-08-01.

Conditions:
Cardiovascular phenotype. Identifiers: MedGen CN230736.
Dilated cardiomyopathy 1G (CMD1G). Identifiers: Orphanet 154, MedGen C1858763, MONDO:0011400, OMIM 604145.
Autosomal recessive limb-girdle muscular dystrophy type 2J (LGMDR10). Also called: Limb-girdle muscular dystrophy, type 2J; MUSCULAR DYSTROPHY, LIMB-GIRDLE, AUTOSOMAL RECESSIVE 10. Identifiers: Orphanet 140922, MedGen C1837342, MONDO:0012127, OMIM 608807.

Allele frequency attached by ClinVar (database versions not stated): ExAC 0.00002; gnomAD exomes 0.00002.
gnomAD v4.1: 29 of 1,612,802 alleles (0.0018%); highest among the groups gnomAD compares: South Asian, 0.016%; no homozygotes.

Submissions (5):

CeGaT Center for Human Genetics Tuebingen
Classification: Likely benign. Last evaluated: 2026-08-01. Review status: criteria provided, single submitter. Criteria: CeGaT Center For Human Genetics Tuebingen Variant Classification Criteria Version 2. Collection method: clinical testing. Allele origin: germline. Affected: yes. Observed: 1 variant allele.
Comment: TTN: BP4, BP7

Labcorp Genetics (formerly Invitae), Labcorp
Classification: Likely benign for Dilated cardiomyopathy 1G; Autosomal recessive limb-girdle muscular dystrophy type 2J. Last evaluated: 2026-01-28. Review status: criteria provided, single submitter. Criteria: Invitae Variant Classification Sherloc (09022015). Collection method: clinical testing. Allele origin: germline.

Molecular Diagnostic Laboratory for Inherited Cardiovascular Disease, Montreal Heart Institute
Classification: Likely benign. Last evaluated: 2025-04-09. Review status: criteria provided, single submitter. Criteria: ACMG Guidelines, 2015. Collection method: clinical testing. Allele origin: germline. Affected: no.

Blueprint Genetics
Classification: Likely benign. Last evaluated: 2023-06-13. Review status: criteria provided, single submitter. Criteria: ACMG Guidelines, 2015. Collection method: clinical testing. Allele origin: germline.

Ambry Genetics
Classification: Likely benign for Cardiovascular phenotype. Last evaluated: 2022-10-02. Review status: criteria provided, single submitter. Criteria: Ambry Variant Classification Scheme 2023. Collection method: clinical testing. Allele origin: germline.

NM_001267550.2(TTN):c.69084G>A (p.Thr23028=)

Genes: TTN (titin; minus strand), TTN-AS1 (TTN antisense RNA 1; plus strand). Cytogenetic location: 2q31.2.
Variant type: single nucleotide variant.
Coding change: c.69084G>A on transcript NM_001267550.2 (MANE Select); coding-DNA position 69084, G replaced by A.
Protein change: p.Thr23028=; no amino-acid change (threonine 23028 retained).
Molecular consequence: synonymous variant.
Genome position (GRCh38, 1-based): chr2:178,577,251, C>T on the plus strand (G>A on the coding strand, the complement: TTN is on the minus strand). VCF-style: chr2-178577251-C-T. GRCh37 (hg19) VCF-style: chr2-179441978-C-T.
Other names: c.64161G>A, p.Thr21387= (NM_001256850.1); c.41889G>A, p.Thr13963= (NM_003319.4); c.61380G>A, p.Thr20460= (NM_133378.4); c.42264G>A, p.Thr14088= (NM_133432.3); c.42465G>A, p.Thr14155= (NM_133437.4).
Identifiers: ClinVar variation 1097957 (VCV001097957.14), dbSNP rs757132910, ClinGen allele CA1990989.
Genomic context (GRCh38, chr2:178,577,251, plus strand): 5'-TTCAACAGGACCTGGGGGACCAGGTACATCAAGGACTGTTACCTTCACATGTTCCACCTT[C>T]GTGCCAAAAGGATTGGTAGCAGTGATGGTATATTCACCCGCATCTTTTCTAGTGGCATAC-3'
Protein context (NP_001254479.2, residues 23018-23038): YTITATNPFG[Thr23028=]KVEHVKVTVL